The following is an entry in ClinVar:

ClinVar aggregate classification (germline): Uncertain significance (1 of 4 stars; one submission).

Conditions:
Pyridoxine-dependent epilepsy (EPEO4). Also called: Pyridoxine-Dependent Epilepsy - ALDH7A1; EPILEPSY, EARLY-ONSET, 4, VITAMIN B6-DEPENDENT; PYRIDOXINE DEPENDENCY WITH SEIZURES; Pyridoxine-Dependent Seizures. Identifiers: Orphanet 3006, MedGen C1849508, MONDO:0009945, OMIM 266100. Disease mechanism: loss of function.

Submission:

Labcorp Genetics (formerly Invitae), Labcorp
Classification: Uncertain significance for Pyridoxine-dependent epilepsy. Last evaluated: 2021-08-27. Review status: criteria provided, single submitter. Criteria: Invitae Variant Classification Sherloc (09022015). Collection method: clinical testing. Allele origin: germline.
Comment: This sequence change replaces lysine with arginine at codon 375 of the ALDH7A1 protein (p.Lys375Arg). The lysine residue is moderately conserved and there is a small physicochemical difference between lysine and arginine. This variant is not present in population databases (ExAC no frequency). This variant has not been reported in the literature in individuals affected with ALDH7A1-related conditions. Algorithms developed to predict the effect of missense changes on protein structure and function output the following: SIFT: "Tolerated"; PolyPhen-2: "Benign"; Align-GVGD: "Class C0". The arginine amino acid residue is found in multiple mammalian species, which suggests that this missense change does not adversely affect protein function. Algorithms developed to predict the effect of sequence changes on RNA splicing suggest that this variant may create or strengthen a splice site. In summary, the available evidence is currently insufficient to determine the role of this variant in disease. Therefore, it has been classified as a Variant of Uncertain Significance.

NM_001182.5(ALDH7A1):c.1124A>G (p.Lys375Arg)

Gene: ALDH7A1 (aldehyde dehydrogenase 7 family member A1; minus strand). Cytogenetic location: 5q23.2.
Variant type: single nucleotide variant.
Coding change: c.1124A>G on transcript NM_001182.5 (MANE Select); coding-DNA position 1124, A replaced by G.
Protein change: p.Lys375Arg; replaces lysine 375 with arginine.
Molecular consequence: missense variant. On other transcripts: intron variant (1).
Genome position (GRCh38, 1-based): chr5:126,554,363, T>C on the plus strand (A>G on the coding strand, the complement: ALDH7A1 is on the minus strand). VCF-style: chr5-126554363-T-C. GRCh37 (hg19) VCF-style: chr5-125890055-T-C.
Other names: c.1040A>G, p.Lys347Arg (NM_001201377.2); c.1009-2226A>G (NM_001202404.2); short protein forms K375R, K347R.
Identifiers: ClinVar variation 648971 (VCV000648971.6), dbSNP rs1298566677, ClinGen allele CA360723896.